The following is an entry in ClinVar:

ClinVar aggregate classification (germline): Likely benign (1 of 4 stars; one submission).

Submission:

Women's Health and Genetics/Laboratory Corporation of America, LabCorp
Classification: Likely benign. Last evaluated: 2025-07-18. Review status: criteria provided, single submitter. Criteria: LabCorp Variant Classification Summary - May 2015. Collection method: clinical testing. Allele origin: germline.
Comment: Variant summary: WDR62 c.2034+19delC alters a nucleotide located at a position not widely known to affect splicing. Consensus agreement among computation tools predict no significant impact on normal splicing. However, these predictions have yet to be confirmed by functional studies. The variant was absent in 1605782 control chromosomes. The available data on variant occurrences in the general population are insufficient to allow any conclusion about variant significance. To our knowledge, no occurrence of c.2034+19delC in individuals affected with Primary microcephaly and no experimental evidence demonstrating its impact on protein function have been reported. No submitters have cited clinical-significance assessments for this variant to ClinVar. Based on the evidence outlined above, the variant was classified as likely benign.

NM_001083961.2(WDR62):c.2034+19del

Gene: WDR62 (WD repeat domain 62; plus strand). Cytogenetic location: 19q13.12.
Variant type: Deletion.
Coding change: c.2034+19del on transcript NM_001083961.2 (MANE Select); 19 bases into the intron after coding-DNA position 2034, one base deleted (C; older notation c.2034+19delC).
Molecular consequence: intron variant.
Genome position (GRCh38, 1-based): chr19:36,090,539, C deleted; the last of 4 consecutive C bases (chr19:36,090,536-36,090,539); deleting any one gives the same sequence. VCF-style (leftmost placement, unchanged base first): chr19-36090535-AC-A. GRCh37 (hg19) VCF-style: chr19-36581437-AC-A.
Other names: c.2034+19delC (NM_001083961.2); c.2034+19del (NM_173636.5, NM_001411146.1); c.2019+19del (NM_001411145.1); c.1683+19del (NM_001411147.1).
Identifiers: ClinVar variation 4525763 (VCV004525763.1).